The following is an entry in ClinVar:

ClinVar aggregate classification (germline): Pathogenic (1 of 4 stars; one submission).

Conditions:
Cystic fibrosis (CF). Also called: MUCOVISCIDOSIS. Identifiers: Orphanet 586, MedGen C0010674, MONDO:0009061, OMIM 219700. Disease mechanism: loss of function.

Submission:

Women's Health and Genetics/Laboratory Corporation of America, LabCorp
Classification: Pathogenic for Cystic fibrosis. Last evaluated: 2026-04-01. Review status: criteria provided, single submitter. Criteria: LabCorp Variant Classification Summary - May 2015. Collection method: clinical testing. Allele origin: germline.
Comment: Variant summary: The variant involves the deletion of exons 22-24 in the CFTR gene. A presumed nomenclature of c.(3468+1_3469-1)_(3963+1_3964-1)del has been designated for the purposes of this classification. This Copy Number Variant (CNV) is predicted to result in an in-frame deletion within this gene. Loss-of-function variants in this gene are known to be pathogenic. The variant allele was found at a frequency of 2.2e-06 in 462878 control chromosomes in the gnomAD database (CNVs v4.1 dataset). To our knowledge, no occurrence of c.(3468+1_3469-1)_(3963+1_3964-1)del in individuals affected with CFTR-related conditions and no experimental evidence demonstrating its impact on protein function have been reported. However, several missense variants within the deleted region have been classified as pathogenic by our laboratory and others in ClinVar, indicating this region is important for CFTR function. The following publications have been ascertained in the context of this evaluation (PMID: 29760218, 33093640, 34782259, 16481891, 17448246, 28603918). ClinVar contains an entry for this variant (Variation ID: 1452482). Based on the evidence outlined above, the variant was classified as pathogenic.

Literature cited by the submitters: PubMed 16481891; PubMed 17448246; PubMed 28603918; PubMed 29760218; PubMed 34782259; PubMed 33093640.

NC_000007.13:g.(117254768_117267575)_(117292986_117304741)del

Gene: CFTR (CF transmembrane conductance regulator; plus strand). Cytogenetic location: 7q31.2.
Variant type: Deletion.
Identifiers: ClinVar variation 4848972 (VCV004848972.1).